The following is an entry in ClinVar:

ClinVar aggregate classification (germline): Uncertain significance. Review status: criteria provided, multiple submitters, no conflicts (2 of 4 stars). 2 submissions from 2 submitters: Uncertain significance (2). Last evaluated 2023-12-12.

Conditions:
Muscular dystrophy-dystroglycanopathy (congenital with brain and eye anomalies), type A9. Also called: Muscular dystrophy-dystroglycanopathy (congenital with brain and eye anomalies), type a, 9; WALKER-WARBURG SYNDROME OR MUSCLE-EYE BRAIN DISEASE, DAG1-RELATED. Identifiers: Orphanet 370997, Orphanet 899, MedGen C4225291, MONDO:0014683, OMIM 616538.
Autosomal recessive limb-girdle muscular dystrophy type 2P. Also called: Limb-Girdle Muscular Dystrophy Type 9C; MUSCULAR DYSTROPHY, LIMB-GIRDLE, TYPE 2P; MUSCULAR DYSTROPHY-DYSTROGLYCANOPATHY, LIMB-GIRDLE, DAG1-RELATED. Identifiers: Orphanet 280333, MedGen C4511963, MONDO:0013440, OMIM 613818.

gnomAD v4.1: 7 of 1,614,072 alleles (0.00043%); highest among the groups gnomAD compares: Admixed American, 0.0083%; no homozygotes.

Submissions (2):

GeneDx
Classification: Uncertain significance. Last evaluated: 2023-12-12. Review status: criteria provided, single submitter. Criteria: GeneDx Variant Classification Process June 2021. Collection method: clinical testing. Allele origin: germline. Affected: yes.
Comment: Not observed at significant frequency in large population cohorts (gnomAD); In silico analysis supports that this missense variant does not alter protein structure/function; Has not been previously published as pathogenic or benign to our knowledge

Labcorp Genetics (formerly Invitae), Labcorp
Classification: Uncertain significance for Autosomal recessive limb-girdle muscular dystrophy type 2P; Muscular dystrophy-dystroglycanopathy (congenital with brain and eye anomalies), type A9. Last evaluated: 2022-07-28. Review status: criteria provided, single submitter. Criteria: Invitae Variant Classification Sherloc (09022015). Collection method: clinical testing. Allele origin: germline.
Comment: This sequence change replaces proline, which is neutral and non-polar, with serine, which is neutral and polar, at codon 724 of the DAG1 protein (p.Pro724Ser). This variant is present in population databases (rs772616351, gnomAD 0.006%). This variant has not been reported in the literature in individuals affected with DAG1-related conditions. Algorithms developed to predict the effect of missense changes on protein structure and function (SIFT, PolyPhen-2, Align-GVGD) all suggest that this variant is likely to be tolerated. In summary, the available evidence is currently insufficient to determine the role of this variant in disease. Therefore, it has been classified as a Variant of Uncertain Significance.

NM_004393.6(DAG1):c.2170C>T (p.Pro724Ser)

Gene: DAG1 (dystroglycan 1; plus strand). Cytogenetic location: 3p21.31.
Variant type: single nucleotide variant.
Coding change: c.2170C>T on transcript NM_004393.6 (MANE Select); coding-DNA position 2170, C replaced by T.
Protein change: p.Pro724Ser; replaces proline 724 with serine.
Molecular consequence: missense variant.
Genome position (GRCh38, 1-based): chr3:49,532,681, C>T. VCF-style: chr3-49532681-C-T. GRCh37 (hg19) VCF-style: chr3-49570114-C-T.
Other names: c.2170C>T, p.Pro724Ser (NM_001165928.4, NM_001177634.3, NM_001177635.3 and 9 more transcripts); c.2170C>T (NM_004393.5); short protein forms P724S.
Identifiers: ClinVar variation 2031656 (VCV002031656.2), dbSNP rs772616351, ClinGen allele CA74522599.